The following is an entry in ClinVar:

NM_001378457.1(DMXL2):c.3848C>G (p.Thr1283Ser)

Gene: DMXL2 (Dmx like 2; minus strand). Cytogenetic location: 15q21.2.
Variant type: single nucleotide variant.
Coding change: c.3848C>G on transcript NM_001378457.1 (MANE Select); coding-DNA position 3848, C replaced by G.
Protein change: p.Thr1283Ser; replaces threonine 1283 with serine.
Molecular consequence: missense variant. On other transcripts: non-coding transcript variant (2), intron variant (2).
Genome position (GRCh38, 1-based): chr15:51,499,376, G>C on the plus strand (C>G on the coding strand, the complement: DMXL2 is on the minus strand). VCF-style: chr15-51499376-G-C. GRCh37 (hg19) VCF-style: chr15-51791573-G-C.
Other names: c.3848C>G, p.Thr1283Ser (NM_001174116.3, NM_001378458.1, NM_001378459.1 and 4 more transcripts); c.3608C>G, p.Thr1203Ser (NM_001378464.1); c.2765-7629C>G (NM_001378460.1); c.2765-4242C>G (NM_001174117.3); short protein forms T1203S, T1283S.
Identifiers: ClinVar variation 1945302 (VCV001945302.6), dbSNP rs1219911973, ClinGen allele CA392433873.

ClinVar aggregate classification (germline): Uncertain significance. Review status: criteria provided, multiple submitters, no conflicts (2 of 4 stars). 2 submissions from 2 submitters: Uncertain significance (2). Last evaluated 2024-09-04.

gnomAD v4.1: 3 of 1,613,874 alleles (0.00019%); highest among the groups gnomAD compares: Middle Eastern, 0.033%; no homozygotes.

Submissions (2):

Blueprint Genetics
Classification: Uncertain significance. Last evaluated: 2024-09-04. Review status: criteria provided, single submitter. Criteria: ACMG Guidelines, 2015. Collection method: clinical testing. Allele origin: germline.

Labcorp Genetics (formerly Invitae), Labcorp
Classification: Uncertain significance. Last evaluated: 2022-01-12. Review status: criteria provided, single submitter. Criteria: Invitae Variant Classification Sherloc (09022015). Collection method: clinical testing. Allele origin: germline.
Comment: In summary, the available evidence is currently insufficient to determine the role of this variant in disease. Therefore, it has been classified as a Variant of Uncertain Significance. Algorithms developed to predict the effect of missense changes on protein structure and function (SIFT, PolyPhen-2, Align-GVGD) all suggest that this variant is likely to be tolerated. This variant has not been reported in the literature in individuals affected with DMXL2-related conditions. This variant is not present in population databases (gnomAD no frequency). This sequence change replaces threonine, which is neutral and polar, with serine, which is neutral and polar, at codon 1283 of the DMXL2 protein (p.Thr1283Ser).